The following is an entry in ClinVar:

ClinVar aggregate classification (germline): Pathogenic (1 of 4 stars; one submission).

Conditions:
Anauxetic dysplasia. Identifiers: Orphanet 93347, MedGen C1846796, MONDO:0011773.

Allele frequency attached by ClinVar (database versions not stated): gnomAD exomes below 0.00001 and 0.00001; ExAC 0.00010.

Submission:

Labcorp Genetics (formerly Invitae), Labcorp
Classification: Pathogenic for Anauxetic dysplasia. Last evaluated: 2022-06-04. Review status: criteria provided, single submitter. Criteria: Invitae Variant Classification Sherloc (09022015). Collection method: clinical testing. Allele origin: germline.
Comment: This variant occurs in the RMRP gene, which encodes an RNA molecule that does not result in a protein product. This variant is present in population databases (rs772962847, gnomAD 0.004%). While this particular variant has not been reported in the literature, it is located in the promoter region between the TATA box and the transcription initiation site, and other insertions and duplications immediately upstream of the coding sequence have been reported in individuals affected with cartilage-hair hypoplasia-anauxetic dysplasia (CHH-AD) spectrum disorders (PMID: 16244706, 11207361, 12107819). While functional studies for this variant have not been reported, experimental analyses using patient derived cells, as well as in vitro transfection studies, have shown that promoter insertions result in silencing of RMRP transcription and reduced expression of the gene product (PMID: 11207361, 16254002). Algorithms developed to predict the effect of sequence changes on RNA splicing suggest that this variant may disrupt the consensus splice site. For these reasons, this variant has been classified as Pathogenic.

Literature cited by the submitters: PubMed 16244706; PubMed 11207361; PubMed 12107819; PubMed 16254002.

NC_000009.12:g.35658014_35658041dup

Gene: RMRP (RNA component of mitochondrial RNA processing endoribonuclease; minus strand). Cytogenetic location: 9p13.3.
Variant type: Duplication.
Genome position: GRCh38 VCF-style: chr9-35658013-C-CGAACCACGTCCTCAGCTTCACAGAGTAG. GRCh37 (hg19) VCF-style: chr9-35658010-C-CGAACCACGTCCTCAGCTTCACAGAGTAG.
Identifiers: ClinVar variation 933554 (VCV000933554.10), dbSNP rs1554651349, ClinGen allele CA5045868.